The following is an entry in ClinVar:

NM_000396.4(CTSK):c.675A>G (p.Arg225=)

Gene: CTSK (cathepsin K; minus strand). Cytogenetic location: 1q21.3.
Variant type: single nucleotide variant.
Coding change: c.675A>G on transcript NM_000396.4 (MANE Select); coding-DNA position 675, A replaced by G.
Protein change: p.Arg225=; no amino-acid change (arginine 225 retained).
Molecular consequence: synonymous variant.
Genome position (GRCh38, 1-based): chr1:150,799,653, T>C on the plus strand (A>G on the coding strand, the complement: CTSK is on the minus strand). VCF-style: chr1-150799653-T-C. GRCh37 (hg19) VCF-style: chr1-150772129-T-C.
Identifiers: ClinVar variation 292583 (VCV000292583.47), dbSNP rs41271965, ClinGen allele CA1080456.
Genomic context (GRCh38, chr1:150,799,653, plus strand): 5'-GACAGGTCCCACTCGGGCCACTGCCCTCTTCAGGGCTTTCTCATTCCCCTCGGGGATCTC[T>C]CTGTACCCTCTGCATTTAGCTGCCTTGCCTGTTGGGTTGTACATACAACTCTCTTCCTGG-3'
Protein context (NP_000387.1, residues 215-235): TGKAAKCRGY[Arg225=]EIPEGNEKAL

ClinVar aggregate classification (germline): Benign/Likely benign. Review status: criteria provided, multiple submitters, no conflicts (2 of 4 stars). 8 submissions from 8 submitters: Benign (1); Likely benign (4). 3 of the submissions do not count toward it. Last evaluated 2026-08-01.

Conditions:
Pyknodysostosis. Also called: Pycnodysostosis. Identifiers: Orphanet 763, MedGen C0238402, MONDO:0009940, OMIM 265800.
CTSK-related disorder. Also called: CTSK-related condition.

Allele frequency attached by ClinVar (database versions not stated): 1000 Genomes Project 0.00140; 1000 Genomes Project 30x 0.00187; ExAC 0.00202; gnomAD exomes 0.00246 and 0.00354; ESP Exome Variant Server 0.00277; gnomAD 0.00287 and 0.00297; TOPMed 0.00291.

Submissions (8):

CeGaT Center for Human Genetics Tuebingen
Classification: Likely benign. Last evaluated: 2026-08-01. Review status: criteria provided, single submitter. Criteria: CeGaT Center For Human Genetics Tuebingen Variant Classification Criteria Version 2. Collection method: clinical testing. Allele origin: germline. Affected: yes. Observed: 3 variant alleles.
Comment: CTSK: BP4, BP7, BS2

Labcorp Genetics (formerly Invitae), Labcorp
Classification: Benign. Last evaluated: 2026-02-01. Review status: criteria provided, single submitter. Criteria: Invitae Variant Classification Sherloc (09022015). Collection method: clinical testing. Allele origin: germline.

Blueprint Genetics
Classification: Likely benign. Last evaluated: 2024-11-26. Review status: criteria provided, single submitter. Criteria: ACMG Guidelines, 2015. Collection method: clinical testing. Allele origin: germline.

Genome-Nilou Lab
Classification: Likely benign for Pyknodysostosis. Last evaluated: 2023-04-11. Review status: criteria provided, single submitter. Criteria: ACMG Guidelines, 2015. Collection method: clinical testing. Allele origin: germline. Affected: no.

Illumina Laboratory Services, Illumina
Classification: Likely benign for Pyknodysostosis. Last evaluated: 2018-01-13. Review status: criteria provided, single submitter. Criteria: ICSL Variant Classification Criteria 13 December 2019. Collection method: clinical testing. Allele origin: germline.
Comment: This variant was observed in the ICSL laboratory as part of a predisposition screen in an ostensibly healthy population. It had not been previously curated by ICSL or reported in the Human Gene Mutation Database (HGMD: prior to June 1st, 2018), and was therefore a candidate for classification through an automated scoring system. Utilizing variant allele frequency, disease prevalence and penetrance estimates, and inheritance mode, an automated score was calculated to assess if this variant is too frequent to cause the disease. Based on the score and internal cut-off values, a variant classified as likely benign is not then subjected to further curation. The score for this variant resulted in a classification of likely benign for this disease.

Natera, Inc.
Classification: Benign for Pyknodysostosis. Last evaluated: 2019-11-11. Review status: no assertion criteria provided. Collection method: clinical testing. Allele origin: germline. Not counted in ClinVar's aggregate classification.

PreventionGenetics, part of Exact Sciences
Classification: Likely benign for CTSK-related condition. Last evaluated: 2019-10-16. Review status: no assertion criteria provided. Collection method: clinical testing. Allele origin: germline. Not counted in ClinVar's aggregate classification.
Comment: This variant is classified as likely benign based on ACMG/AMP sequence variant interpretation guidelines (Richards et al. 2015 PMID: 25741868, with internal and published modifications).

Mayo Clinic Laboratories, Mayo Clinic
Classification: Likely benign. Last evaluated: 2017-08-02. Review status: no assertion criteria provided. Collection method: clinical testing. Allele origin: unknown. Not counted in ClinVar's aggregate classification.